The following is an entry in ClinVar:

NM_001271.4(CHD2):c.4220C>A (p.Ser1407Tyr)

Gene: CHD2 (chromodomain helicase DNA binding protein 2; plus strand). Cytogenetic location: 15q26.1.
Variant type: single nucleotide variant.
Coding change: c.4220C>A on transcript NM_001271.4 (MANE Select); coding-DNA position 4220, C replaced by A.
Protein change: p.Ser1407Tyr; replaces serine 1407 with tyrosine.
Molecular consequence: missense variant.
Genome position (GRCh38, 1-based): chr15:93,002,259, C>A. VCF-style: chr15-93002259-C-A. GRCh37 (hg19) VCF-style: chr15-93545489-C-A.
Other names: c.4220C>A (NM_001271.3); short protein forms S1407Y.
Identifiers: ClinVar variation 1021253 (VCV001021253.9), dbSNP rs780455269, ClinGen allele CA7748413.
Genomic context (GRCh38, chr15:93,002,259, plus strand): 5'-CAATGAAAAAAAAACAGAAGAAGAAAGAGAACAAGGAGAACAAGGAGAAACAAATGAGTT[C>A]TAGGAAAGACAAAGAAGGGGACAAGGAAAGAAAGAAGTCAAAAGATAAGAAAGAGAAGGT-3'
Protein context (NP_001262.3, residues 1397-1417): NKENKEKQMS[Ser1407Tyr]RKDKEGDKER

ClinVar aggregate classification (germline): Conflicting classifications of pathogenicity. Review status: criteria provided, conflicting classifications (1 of 4 stars). 3 submissions from 3 submitters: Uncertain significance (2); Likely benign (1). Last evaluated 2026-09-01.

Conditions:
CHD2-related disorder. Also called: CHD2-related condition.
Developmental and epileptic encephalopathy 94 (DEE94). Also called: Epileptic encephalopathy, childhood-onset; CHD2-Related Neurodevelopmental Disorders. Identifiers: Orphanet 1942, Orphanet 2382, MedGen C3809278, MONDO:0014150, OMIM 615369.

Allele frequency attached by ClinVar (database versions not stated): TOPMed below 0.00001.

Submissions (3):

CeGaT Center for Human Genetics Tuebingen
Classification: Likely benign. Last evaluated: 2026-09-01. Review status: criteria provided, single submitter. Criteria: CeGaT Center For Human Genetics Tuebingen Variant Classification Criteria Version 2. Collection method: clinical testing. Allele origin: germline. Affected: yes. Observed: 1 variant allele.
Comment: CHD2: BP4

PreventionGenetics, part of Exact Sciences
Classification: Uncertain significance for CHD2-related condition. Last evaluated: 2025-09-11. Review status: criteria provided, single submitter. Criteria: ACMG Guidelines, 2015. Collection method: clinical testing. Allele origin: germline.
Comment: The CHD2 c.4220C>A variant is predicted to result in the amino acid substitution p.Ser1407Tyr. To our knowledge, this variant has not been reported in the literature. This variant is reported in 0.0093% of alleles in individuals of Latino descent in gnomAD. Internal and gnomAD database numbers are inconsistent with this being an undocumented cause of CHD2-related disease. Although we suspect that this variant may be benign, at this time, the clinical significance of this variant is uncertain due to the absence of conclusive functional and genetic evidence.

Labcorp Genetics (formerly Invitae), Labcorp
Classification: Uncertain significance for Developmental and epileptic encephalopathy 94. Last evaluated: 2025-04-23. Review status: criteria provided, single submitter. Criteria: Invitae Variant Classification Sherloc (09022015). Collection method: clinical testing. Allele origin: germline.
Comment: This sequence change replaces serine, which is neutral and polar, with tyrosine, which is neutral and polar, at codon 1407 of the CHD2 protein (p.Ser1407Tyr). This variant is present in population databases (rs780455269, gnomAD 0.01%). This variant has not been reported in the literature in individuals affected with CHD2-related conditions. ClinVar contains an entry for this variant (Variation ID: 1021253). Invitae Evidence Modeling of protein sequence and biophysical properties (such as structural, functional, and spatial information, amino acid conservation, physicochemical variation, residue mobility, and thermodynamic stability) indicates that this missense variant is not expected to disrupt CHD2 protein function with a negative predictive value of 95%. In summary, the available evidence is currently insufficient to determine the role of this variant in disease. Therefore, it has been classified as a Variant of Uncertain Significance.